The following is an entry in ClinVar:

ClinVar aggregate classification (germline): Benign. Review status: criteria provided, multiple submitters, no conflicts (2 of 4 stars). 3 submissions from 3 submitters: Benign (3). Last evaluated 2024-07-31.

Allele frequency attached by ClinVar (database versions not stated): ESP Exome Variant Server 0.56303; TOPMed 0.57248; gnomAD 0.57748 and 0.58652; 1000 Genomes Project 30x 0.59275; 1000 Genomes Project 0.59964; ExAC 0.65007; gnomAD exomes 0.66581 and 0.67835.
gnomAD v4.1: 909,628 of 1,385,650 alleles (66%); highest among the groups gnomAD compares: East Asian, 77%; 303,734 homozygotes.

Submissions (3):

Unidad de Genómica Garrahan, Hospital de Pediatría Garrahan
Classification: Benign. Last evaluated: 2024-07-31. Review status: criteria provided, single submitter. Criteria: ACMG Guidelines, 2015. Collection method: clinical testing. Allele origin: germline. Affected: no. Observed: 83 variant alleles.
Comment: This variant is classified as Benign based on local population frequency. This variant was detected in 89% of patients studied in a panel designed for Epileptic and Developmental Encephalopathy, Progressive Myoclonus Epilepsy and Abnormal Movements and Neurodegeneration with brain iron accumulation. Number of patients: 83. Only high quality variants are reported.

GeneDx
Classification: Benign. Last evaluated: 2018-06-25. Review status: criteria provided, single submitter. Criteria: GeneDx Variant Classification Process June 2021. Collection method: clinical testing. Allele origin: germline. Affected: yes.

Breakthrough Genomics
Classification: Benign. Review status: criteria provided, single submitter. Criteria: ACMG Guidelines, 2015. Collection method: not provided. Allele origin: germline. Inheritance: Autosomal dominant inheritance. Affected: yes.

NM_001378120.1(MBD5):c.3545-51G>A

Gene: MBD5 (methyl-CpG binding domain protein 5; plus strand). Cytogenetic location: 2q23.1.
Variant type: single nucleotide variant.
Coding change: c.3545-51G>A on transcript NM_001378120.1 (MANE Select); 51 bases into the intron before coding-DNA position 3545, G replaced by A.
Molecular consequence: intron variant.
Genome position (GRCh38, 1-based): chr2:148,485,691, G>A. VCF-style: chr2-148485691-G-A. GRCh37 (hg19) VCF-style: chr2-149243260-G-A.
Other names: c.2846-51G>A (NM_018328.5).
Identifiers: ClinVar variation 1238211 (VCV001238211.6), dbSNP rs2121344, ClinGen allele CA1900270.